The following is an entry in ClinVar:

ClinVar aggregate classification (germline): Pathogenic (1 of 4 stars; one submission).

Conditions:
Baller-Gerold syndrome (BGS). Also called: CRANIOSYNOSTOSIS WITH RADIAL DEFECTS. Identifiers: Orphanet 1225, MedGen C0265308, MONDO:0009039, OMIM 218600.

Submission:

Labcorp Genetics (formerly Invitae), Labcorp
Classification: Pathogenic for Baller-Gerold syndrome. Last evaluated: 2023-04-15. Review status: criteria provided, single submitter. Criteria: Invitae Variant Classification Sherloc (09022015). Collection method: clinical testing. Allele origin: germline.
Comment: For these reasons, this variant has been classified as Pathogenic. Algorithms developed to predict the effect of sequence changes on RNA splicing suggest that this variant may disrupt the consensus splice site. This variant has not been reported in the literature in individuals affected with RECQL4-related conditions. This variant is not present in population databases (gnomAD no frequency). This sequence change creates a premature translational stop signal (p.Gln1123*) in the RECQL4 gene. It is expected to result in an absent or disrupted protein product. Loss-of-function variants in RECQL4 are known to be pathogenic (PMID: 12734318, 12952869).

Literature cited by the submitters: PubMed 12734318; PubMed 12952869.

NM_004260.4(RECQL4):c.3367C>T (p.Gln1123Ter)

Gene: RECQL4 (RecQ like helicase 4; minus strand). Cytogenetic location: 8q24.3.
Variant type: single nucleotide variant.
Coding change: c.3367C>T on transcript NM_004260.4 (MANE Select); coding-DNA position 3367, C replaced by T.
Protein change: p.Gln1123Ter; replaces glutamine 1123 with a stop codon.
Molecular consequence: nonsense. On other transcripts: non-coding transcript variant (3).
Genome position (GRCh38, 1-based): chr8:144,511,937, G>A on the plus strand (C>T on the coding strand, the complement: RECQL4 is on the minus strand). VCF-style: chr8-144511937-G-A. GRCh37 (hg19) VCF-style: chr8-145737320-G-A.
Other names: c.3073C>T, p.Gln1025Ter (NM_001413017.1); c.3169C>T, p.Gln1057Ter (NM_001413018.1); c.3442C>T, p.Gln1148Ter (NM_001413019.1); c.3271C>T, p.Gln1091Ter (NM_001413020.1); c.2296C>T, p.Gln766Ter (NM_001413021.1, NM_001413022.1, NM_001413024.1 and 4 more transcripts); c.2371C>T, p.Gln791Ter (NM_001413023.1); c.3238C>T, p.Gln1080Ter (NM_001413025.1); c.2230C>T, p.Gln744Ter (NM_001413027.1, NM_001413030.1, NM_001413032.1); and 9 more; short protein forms Q1025*, Q744*, Q1079*, Q1113*, Q700*, Q756*, Q769*, Q1091*.
Identifiers: ClinVar variation 2856487 (VCV002856487.3), dbSNP rs995015088, ClinGen allele CA372668155.